The following is an entry in ClinVar:

ClinVar aggregate classification (germline): Uncertain significance (1 of 4 stars; one submission).

gnomAD v4.1: 10 of 1,612,684 alleles (0.00062%); highest among the groups gnomAD compares: Non-Finnish European, 0.00076%; no homozygotes.

Submission:

GeneDx
Classification: Uncertain significance. Last evaluated: 2024-07-30. Review status: criteria provided, single submitter. Criteria: GeneDx Variant Classification Process June 2021. Collection method: clinical testing. Allele origin: germline. Affected: yes.
Comment: Not observed at significant frequency in large population cohorts (gnomAD); In silico analysis indicates that this missense variant does not alter protein structure/function; Has not been previously published as pathogenic or benign to our knowledge

NM_007327.4(GRIN1):c.1114G>C (p.Val372Leu)

Gene: GRIN1 (glutamate ionotropic receptor NMDA type subunit 1; plus strand). Cytogenetic location: 9q34.3.
Variant type: single nucleotide variant.
Coding change: c.1114G>C on transcript NM_007327.4 (MANE Select); coding-DNA position 1114, G replaced by C.
Protein change: p.Val372Leu; replaces valine 372 with leucine.
Molecular consequence: missense variant.
Genome position (GRCh38, 1-based): chr9:137,158,621, G>C. VCF-style: chr9-137158621-G-C. GRCh37 (hg19) VCF-style: chr9-140053073-G-C.
Other names: c.1114G>C, p.Val372Leu (NM_000832.7, NM_021569.4); c.1177G>C, p.Val393Leu (NM_001185090.2, NM_001185091.2); short protein forms V372L, V393L.
Identifiers: ClinVar variation 3602492 (VCV003602492.1).